The following is an entry in ClinVar:

ClinVar aggregate classification (germline): Uncertain significance (1 of 4 stars; one submission).

Conditions:
Naxos disease (NXD). Also called: CARDIOMYOPATHY, ARRHYTHMOGENIC RIGHT VENTRICULAR, WITH SKIN, HAIR, AND NAIL ABNORMALITIES; MAL DE NAXOS; PALMOPLANTAR KERATODERMA WITH ARRHYTHMOGENIC RIGHT VENTRICULAR CARDIOMYOPATHY AND WOOLLY HAIR; WOOLLY HAIR, PALMOPLANTAR KERATODERMA, AND CARDIAC ABNORMALITIES; KERATOSIS PALMOPLANTARIS WITH ARRHYTHMOGENIC CARDIOMYOPATHY. Identifiers: Orphanet 34217, MedGen C1832600, MONDO:0011017, OMIM 601214.
Arrhythmogenic right ventricular dysplasia 12. Also called: ARRHYTHMOGENIC RIGHT VENTRICULAR DYSPLASIA, FAMILIAL, 12. Identifiers: MedGen C1969081, MONDO:0012684, OMIM 611528.

Submission:

Labcorp Genetics (formerly Invitae), Labcorp
Classification: Uncertain significance for Arrhythmogenic right ventricular dysplasia 12; Naxos disease. Last evaluated: 2022-06-03. Review status: criteria provided, single submitter. Criteria: Invitae Variant Classification Sherloc (09022015). Collection method: clinical testing. Allele origin: germline.
Comment: In summary, the available evidence is currently insufficient to determine the role of this variant in disease. Therefore, it has been classified as a Variant of Uncertain Significance. Algorithms developed to predict the effect of missense changes on protein structure and function are either unavailable or do not agree on the potential impact of this missense change (SIFT: "Deleterious"; PolyPhen-2: "Possibly Damaging"; Align-GVGD: "Class C0"). This variant has not been reported in the literature in individuals affected with JUP-related conditions. This variant is not present in population databases (gnomAD no frequency). This sequence change replaces arginine, which is basic and polar, with serine, which is neutral and polar, at codon 320 of the JUP protein (p.Arg320Ser).

NM_002230.4(JUP):c.958C>A (p.Arg320Ser)

Gene: JUP (junction plakoglobin; minus strand). Cytogenetic location: 17q21.2.
Variant type: single nucleotide variant.
Coding change: c.958C>A on transcript NM_002230.4 (MANE Select); coding-DNA position 958, C replaced by A.
Protein change: p.Arg320Ser; replaces arginine 320 with serine.
Molecular consequence: missense variant.
Genome position (GRCh38, 1-based): chr17:41,765,019, G>T on the plus strand (C>A on the coding strand, the complement: JUP is on the minus strand). VCF-style: chr17-41765019-G-T. GRCh37 (hg19) VCF-style: chr17-39921271-G-T.
Other names: c.958C>A, p.Arg320Ser (NM_001352773.2, NM_001352774.2, NM_001352775.2 and 3 more transcripts); short protein forms R320S.
Identifiers: ClinVar variation 1999759 (VCV001999759.4), dbSNP rs200740462, ClinGen allele CA399499533.